The following is an entry in ClinVar:

ClinVar aggregate classification (germline): Likely benign. Review status: criteria provided, multiple submitters, no conflicts (2 of 4 stars). 5 submissions from 5 submitters: Likely benign (5). Last evaluated 2025-12-17.

Conditions:
Cardiovascular phenotype. Identifiers: MedGen CN230736.
Cardiomyopathy (CMYO). Also called: Cardiomyopathies. Identifiers: Orphanet 167848, MedGen C0878544, MONDO:0004994, HP:0001638. Inheritance: Various modes of inheritance.
Hypertrophic cardiomyopathy. Also called: HYPERTROPHIC MYOCARDIOPATHY. Identifiers: Orphanet 217569, MedGen C0007194, MeSH D002312, MONDO:0005045, HP:0001639.

Allele frequency attached by ClinVar (database versions not stated): gnomAD exomes below 0.00001; ExAC 0.00001; gnomAD 0.00001; TOPMed 0.00001; ESP Exome Variant Server 0.00008.

Submissions (5):

Labcorp Genetics (formerly Invitae), Labcorp
Classification: Likely benign for Hypertrophic cardiomyopathy. Last evaluated: 2025-12-17. Review status: criteria provided, single submitter. Criteria: Invitae Variant Classification Sherloc (09022015). Collection method: clinical testing. Allele origin: germline.

All of Us Research Program, National Institutes of Health
Classification: Likely benign for Hypertrophic cardiomyopathy. Last evaluated: 2024-09-23. Review status: criteria provided, single submitter. Criteria: ACMG Guidelines, 2015. Collection method: clinical testing. Allele origin: germline. Inheritance: Autosomal dominant inheritance. Observed: 4 variant alleles, 4 heterozygotes.
Comment: This study involves interpretation of variants in research participants for the purpose of population health screening. Participant phenotype was not available at the time of variant classification. Additional details can be found in publication PMID: 35346344, PMCID: PMC8962531

Blueprint Genetics
Classification: Likely benign. Last evaluated: 2024-07-18. Review status: criteria provided, single submitter. Criteria: ACMG Guidelines, 2015. Collection method: clinical testing. Allele origin: germline.

Ambry Genetics
Classification: Likely benign for Cardiovascular phenotype. Last evaluated: 2023-03-07. Review status: criteria provided, single submitter. Criteria: Ambry Variant Classification Scheme 2023. Collection method: clinical testing. Allele origin: germline.

Color Diagnostics, LLC DBA Color Health
Classification: Likely benign for Cardiomyopathy. Last evaluated: 2019-06-30. Review status: criteria provided, single submitter. Criteria: ACMG Guidelines, 2015. Collection method: clinical testing. Allele origin: germline.

NM_000256.3(MYBPC3):c.2526C>T (p.Tyr842=)

Gene: MYBPC3 (myosin binding protein C3; minus strand). Cytogenetic location: 11p11.2.
Variant type: single nucleotide variant.
Coding change: c.2526C>T on transcript NM_000256.3 (MANE Select); coding-DNA position 2526, C replaced by T.
Protein change: p.Tyr842=; no amino-acid change (tyrosine 842 retained).
Molecular consequence: synonymous variant.
Genome position (GRCh38, 1-based): chr11:47,337,467, G>A on the plus strand (C>T on the coding strand, the complement: MYBPC3 is on the minus strand). VCF-style: chr11-47337467-G-A. GRCh37 (hg19) VCF-style: chr11-47359018-G-A.
Identifiers: ClinVar variation 922013 (VCV000922013.16), dbSNP rs373792537, ClinGen allele CA078782.